The following is an entry in ClinVar:

ClinVar aggregate classification (germline): Uncertain significance (1 of 4 stars; one submission).

Allele frequency attached by ClinVar (database versions not stated): gnomAD exomes below 0.00001; gnomAD 0.00001; TOPMed 0.00001.
gnomAD v4.1: 3 of 1,613,362 alleles (0.00019%); highest among the groups gnomAD compares: African/African-American, 0.0027%; no homozygotes.

Submission:

Labcorp Genetics (formerly Invitae), Labcorp
Classification: Uncertain significance. Last evaluated: 2023-01-08. Review status: criteria provided, single submitter. Criteria: Invitae Variant Classification Sherloc (09022015). Collection method: clinical testing. Allele origin: germline.
Comment: Advanced modeling of protein sequence and biophysical properties (such as structural, functional, and spatial information, amino acid conservation, physicochemical variation, residue mobility, and thermodynamic stability) performed at Invitae indicates that this missense variant is not expected to disrupt PRPF3 protein function. In summary, the available evidence is currently insufficient to determine the role of this variant in disease. Therefore, it has been classified as a Variant of Uncertain Significance. Algorithms developed to predict the effect of sequence changes on RNA splicing suggest that this variant may create or strengthen a splice site. This variant has not been reported in the literature in individuals affected with PRPF3-related conditions. This variant is present in population databases (no rsID available, gnomAD 0.01%). This sequence change replaces proline, which is neutral and non-polar, with leucine, which is neutral and non-polar, at codon 173 of the PRPF3 protein (p.Pro173Leu).

NM_004698.4(PRPF3):c.518C>T (p.Pro173Leu)

Gene: PRPF3 (pre-mRNA processing factor 3; plus strand). Cytogenetic location: 1q21.2.
Variant type: single nucleotide variant.
Coding change: c.518C>T on transcript NM_004698.4 (MANE Select); coding-DNA position 518, C replaced by T.
Protein change: p.Pro173Leu; replaces proline 173 with leucine.
Molecular consequence: missense variant. On other transcripts: non-coding transcript variant (4).
Genome position (GRCh38, 1-based): chr1:150,332,989, C>T. VCF-style: chr1-150332989-C-T. GRCh37 (hg19) VCF-style: chr1-150305460-C-T.
Other names: c.113C>T, p.Pro38Leu (NM_001350529.1); short protein forms P173L, P38L.
Identifiers: ClinVar variation 2827048 (VCV002827048.3), dbSNP rs1271540038, ClinGen allele CA342291429.
Genomic context (GRCh38, chr1:150,332,989, plus strand): 5'-GTTTGTCTGCCTGTCTTAATTCCTCTGATTTCTTTTTCTCTATCTCACAGCCAAAGACTC[C>T]TTCTTCCTCCCAACCAGAACGACTTCCTATTGGCAACACTATTCAGCCCTCCCAGGCTGC-3'
Protein context (NP_004689.1, residues 163-183): ISPPTPQPKT[Pro173Leu]SSSQPERLPI